The following is an entry in ClinVar:

NM_002905.5(RDH5):c.224G>A (p.Arg75His)

Genes: BLOC1S1-RDH5 (BLOC1S1-RDH5 readthrough; plus strand), RDH5 (retinol dehydrogenase 5; plus strand). Cytogenetic location: 12q13.2.
Variant type: single nucleotide variant.
Coding change: c.224G>A on transcript NM_002905.5 (MANE Select); coding-DNA position 224, G replaced by A.
Protein change: p.Arg75His; replaces arginine 75 with histidine.
Molecular consequence: missense variant.
Genome position (GRCh38, 1-based): chr12:55,721,408, G>A. VCF-style: chr12-55721408-G-A. GRCh37 (hg19) VCF-style: chr12-56115192-G-A.
Other names: c.224G>A, p.Arg75His (NM_001199771.3); short protein forms R75H.
Identifiers: ClinVar variation 881351 (VCV000881351.13), dbSNP rs140121982, ClinGen allele CA6616775.

ClinVar aggregate classification (germline): Benign/Likely benign. Review status: criteria provided, multiple submitters, no conflicts (2 of 4 stars). 3 submissions from 3 submitters: Benign (2); Likely benign (1). Last evaluated 2026-01-19.

Conditions:
Pigmentary retinal dystrophy. Also called: Fundus albipunctatus. Identifiers: Orphanet 227796, Orphanet 52427, MedGen C0311338, MONDO:0007639, OMIM 136880, HP:0030642.
RDH5-related disorder. Also called: RDH5-related condition.

Allele frequency attached by ClinVar (database versions not stated): ESP Exome Variant Server 0.00008; TOPMed 0.00008; 1000 Genomes Project 30x 0.00047; gnomAD exomes 0.00051 and 0.00123; 1000 Genomes Project 0.00060; gnomAD 0.00093 and 0.00096; ExAC 0.00115.

Submissions (3):

Labcorp Genetics (formerly Invitae), Labcorp
Classification: Benign. Last evaluated: 2026-01-19. Review status: criteria provided, single submitter. Criteria: Invitae Variant Classification Sherloc (09022015). Collection method: clinical testing. Allele origin: germline.

PreventionGenetics, part of Exact Sciences
Classification: Benign for RDH5-related condition. Last evaluated: 2024-10-28. Review status: criteria provided, single submitter. Criteria: ACMG Guidelines, 2015. Collection method: clinical testing. Allele origin: germline.
Comment: This variant is classified as benign based on ACMG/AMP sequence variant interpretation guidelines (Richards et al. 2015 PMID: 25741868, with internal and published modifications).

Illumina Laboratory Services, Illumina
Classification: Likely benign for Pigmentary retinal dystrophy. Last evaluated: 2017-04-27. Review status: criteria provided, single submitter. Criteria: ICSL Variant Classification Criteria 13 December 2019. Collection method: clinical testing. Allele origin: germline.
Comment: This variant was observed as part of a predisposition screen in an ostensibly healthy population. A literature search was performed for the gene, cDNA change, and amino acid change (where applicable). Publications were found based on this search. The evidence from the literature, in combination with allele frequency data from public databases where available, was sufficient to determine this variant is unlikely to cause disease. Therefore, this variant is classified as likely benign.

Literature cited by the submitters: PubMed 25587058 (cited by Illumina Laboratory Services, Illumina).